The following is an entry in ClinVar:

NM_181426.2(CCDC39):c.2266-5T>C

Genes: CCDC39 (coiled-coil domain 39 molecular ruler complex subunit; minus strand), TTC14 (tetratricopeptide repeat domain 14; plus strand). Cytogenetic location: 3q26.33.
Variant type: single nucleotide variant.
Coding change: c.2266-5T>C on transcript NM_181426.2 (MANE Select); 5 bases into the intron before coding-DNA position 2266, T replaced by C.
Molecular consequence: intron variant.
Genome position (GRCh38, 1-based): chr3:180,616,971, A>G on the plus strand (T>C on the coding strand, the complement: CCDC39 is on the minus strand). VCF-style: chr3-180616971-A-G. GRCh37 (hg19) VCF-style: chr3-180334759-A-G.
Other names: c.1775-409A>G (NM_001288582.2).
Identifiers: ClinVar variation 902128 (VCV000902128.16), dbSNP rs200409307, ClinGen allele CA2715717.

ClinVar aggregate classification (germline): Conflicting classifications of pathogenicity. Review status: criteria provided, conflicting classifications (1 of 4 stars). 5 submissions from 5 submitters: Uncertain significance (1); Likely benign (3). 1 of the submissions does not count toward it. Last evaluated 2025-12-08.

Conditions:
CCDC39-related disorder. Also called: CCDC39-related condition.
Primary ciliary dyskinesia 14. Also called: CILIARY DYSKINESIA, PRIMARY, 14, WITH OR WITHOUT SITUS INVERSUS. Identifiers: Orphanet 244, MedGen C3151136, MONDO:0013434, OMIM 613807.
Primary ciliary dyskinesia. Also called: Ciliary dyskinesia. Identifiers: Orphanet 244, MedGen C0008780, MONDO:0016575, HP:0012265.

Allele frequency attached by ClinVar (database versions not stated): 1000 Genomes Project 0.00020; gnomAD 0.00017; 1000 Genomes Project 30x 0.00031; gnomAD exomes 0.00014 and 0.00011; ExAC 0.00027; TOPMed 0.00009; ESP Exome Variant Server 0.00017.
gnomAD v4.1: 154 of 1,292,666 alleles (0.012%); highest among the groups gnomAD compares: Non-Finnish European, 0.014%; no homozygotes.

Submissions (5):

Labcorp Genetics (formerly Invitae), Labcorp
Classification: Likely benign for Primary ciliary dyskinesia. Last evaluated: 2025-12-08. Review status: criteria provided, single submitter. Criteria: Invitae Variant Classification Sherloc (09022015). Collection method: clinical testing. Allele origin: germline.

Laboratory of Genetics, Children's Clinical University Hospital Latvia
Classification: Likely benign. Last evaluated: 2025-02-16. Review status: criteria provided, single submitter. Criteria: ACMG Guidelines, 2015. Collection method: clinical testing. Allele origin: germline. Affected: yes.

Blueprint Genetics
Classification: Likely benign. Last evaluated: 2024-10-10. Review status: criteria provided, single submitter. Criteria: ACMG Guidelines, 2015. Collection method: clinical testing. Allele origin: germline.

Illumina Laboratory Services, Illumina
Classification: Uncertain significance for Primary ciliary dyskinesia 14. Last evaluated: 2018-01-12. Review status: criteria provided, single submitter. Criteria: ICSL Variant Classification Criteria 13 December 2019. Collection method: clinical testing. Allele origin: germline.

PreventionGenetics, part of Exact Sciences
Classification: Likely benign for CCDC39-related condition. Last evaluated: 2019-05-06. Review status: no assertion criteria provided. Collection method: clinical testing. Allele origin: germline. Not counted in ClinVar's aggregate classification.
Comment: This variant is classified as likely benign based on ACMG/AMP sequence variant interpretation guidelines (Richards et al. 2015 PMID: 25741868, with internal and published modifications).